The following is an entry in ClinVar:

ClinVar aggregate classification (germline): Conflicting classifications of pathogenicity. Review status: criteria provided, conflicting classifications (1 of 4 stars). 2 submissions from 2 submitters: Likely pathogenic (1); Uncertain significance (1). Last evaluated 2026-06-26.

Conditions:
Inborn genetic diseases. Identifiers: MedGen C0950123, MeSH D030342.

Submissions (2):

Ambry Genetics
Classification: Likely pathogenic for Inborn genetic diseases. Last evaluated: 2026-06-26. Review status: criteria provided, single submitter. Criteria: Ambry Variant Classification Scheme 2023. Collection method: clinical testing. Allele origin: germline.
Comment: The c.2956G>C (p.V986L) alteration is located in exon 15 (coding exon 15) of the IGF1R gene. This alteration results from a G to C substitution at nucleotide position 2956, causing the valine (V) at amino acid position 986 to be replaced by a leucine (L). This variant was not reported in population-based cohorts in the Genome Aggregation Database (gnomAD). This amino acid position is well conserved in available vertebrate species. RNA studies have demonstrated that this variant results in abnormal splicing in the set of samples tested (Ambry internal data). This amino acid alteration is predicted to be tolerated by in silico analysis. In silico splice site analysis predicts that this nucleotide alteration may weaken the native splice donor site and will result in the creation or strengthening of a novel splice donor site. Based on the available evidence, this alteration is classified as likely pathogenic.

GeneDx
Classification: Uncertain significance. Last evaluated: 2026-01-28. Review status: criteria provided, single submitter. Criteria: GeneDx Variant Classification Process June 2021. Collection method: clinical testing. Allele origin: germline.
Comment: Not observed at significant frequency in large population cohorts (gnomAD); In silico analysis suggests that this missense variant does not alter protein structure/function; Has not been previously published as pathogenic or benign to our knowledge; In silico analysis is inconclusive as to whether the variant alters gene splicing. In the absence of RNA/functional studies, the actual effect of this sequence change is unknown.

NM_000875.5(IGF1R):c.2956G>C (p.Val986Leu)

Gene: IGF1R (insulin like growth factor 1 receptor; plus strand). Cytogenetic location: 15q26.3.
Variant type: single nucleotide variant.
Coding change: c.2956G>C on transcript NM_000875.5 (MANE Select); coding-DNA position 2956, G replaced by C.
Protein change: p.Val986Leu; replaces valine 986 with leucine.
Molecular consequence: missense variant.
Genome position (GRCh38, 1-based): chr15:98,930,305, G>C. VCF-style: chr15-98930305-G-C. GRCh37 (hg19) VCF-style: chr15-99473534-G-C.
Other names: c.2953G>C, p.Val985Leu (NM_001291858.2); short protein forms V985L, V986L.
Identifiers: ClinVar variation 4858421 (VCV004858421.3).